The following is an entry in ClinVar:

NM_148963.4(GPRC6A):c.2323dup (p.Tyr775fs)

Gene: GPRC6A (G protein-coupled receptor class C group 6 member A; minus strand). Cytogenetic location: 6q22.1.
Variant type: Duplication.
Coding change: c.2323dup on transcript NM_148963.4 (MANE Select); coding-DNA position 2323, one base duplicated (T; older notation c.2323dupT).
Protein change: p.Tyr775fs; shifts the reading frame from tyrosine 775.
Molecular consequence: frameshift variant.
Genome position (GRCh38, 1-based): chr6:116,792,600, A duplicated on the plus strand (T on the coding strand, the reverse complement: GPRC6A is on the minus strand). VCF-style (leftmost placement, unchanged base first): chr6-116792599-T-TA. GRCh37 (hg19) VCF-style: chr6-117113762-T-TA.
Other names: c.1798dup, p.Tyr600Leufs (NM_001286354.2); c.2110dup, p.Tyr704Leufs (NM_001286355.2); c.2323dupT (NM_148963.3); short protein forms Y600fs, Y775fs, Y704fs.
Identifiers: ClinVar variation 769690 (VCV000769690.4), dbSNP rs371464745, ClinGen allele CA3972380.

ClinVar aggregate classification (germline): Benign. Review status: criteria provided, multiple submitters, no conflicts (2 of 4 stars). 2 submissions from 2 submitters: Benign (2). Last evaluated 2020-02-18.

Allele frequency attached by ClinVar (database versions not stated): 1000 Genomes Project 30x 0.17005; gnomAD exomes 0.04395 and 0.08096; gnomAD 0.16526 and 0.17182; ExAC 0.08911.

Submissions (2):

GeneDx
Classification: Benign. Last evaluated: 2020-02-18. Review status: criteria provided, single submitter. Criteria: GeneDx Variant Classification Process June 2021. Collection method: clinical testing. Allele origin: germline. Affected: yes.
Comment: This variant is associated with the following publications: (PMID: 31373687)

Labcorp Genetics (formerly Invitae), Labcorp
Classification: Benign. Last evaluated: 2018-08-29. Review status: criteria provided, single submitter. Criteria: Invitae Variant Classification Sherloc (09022015). Collection method: clinical testing. Allele origin: germline.